The following is an entry in ClinVar:

NM_000548.5(TSC2):c.4493+8T>A

Gene: TSC2 (TSC complex subunit 2; plus strand). Cytogenetic location: 16p13.3.
Variant type: single nucleotide variant.
Coding change: c.4493+8T>A on transcript NM_000548.5 (MANE Select); 8 bases into the intron after coding-DNA position 4493, T replaced by A.
Molecular consequence: intron variant.
Genome position (GRCh38, 1-based): chr16:2,084,723, T>A. VCF-style: chr16-2084723-T-A. GRCh37 (hg19) VCF-style: chr16-2134724-T-A.
Other names: c.4424+8T>A (NM_001114382.3); c.4364+8T>A (NM_021055.3, NM_001370405.1); c.4295+8T>A (NM_001363528.2); c.4361+8T>A (NM_001370404.1); c.4292+8T>A (NM_001077183.3); c.4184+8T>A (NM_001318827.2); c.3761+8T>A (NM_001318831.2); c.4148+8T>A (NM_001318829.2); and 1 more.
Identifiers: ClinVar variation 1670615 (VCV001670615.9), dbSNP rs2090546767, ClinGen allele CA2202017479.

ClinVar aggregate classification (germline): Likely benign. Review status: criteria provided, multiple submitters, no conflicts (2 of 4 stars). 2 submissions from 2 submitters: Likely benign (2). Last evaluated 2025-06-03.

Conditions:
Tuberous sclerosis 2 (TSC2). Identifiers: Orphanet 805, MedGen C1860707, MONDO:0013199, OMIM 613254.

Allele frequency attached by ClinVar (database versions not stated): TOPMed 0.00001.

Submissions (2):

Myriad Genetics, Inc.
Classification: Likely benign for Tuberous sclerosis 2. Last evaluated: 2025-06-03. Review status: criteria provided, single submitter. Criteria: Myriad Autosomal Dominant, Autosomal Recessive and X-Linked Classification Criteria (2023). Collection method: clinical testing. Allele origin: unknown.
Comment: This variant is considered likely benign. This variant is intronic and is not expected to impact mRNA splicing.

Labcorp Genetics (formerly Invitae), Labcorp
Classification: Likely benign for Tuberous sclerosis 2. Last evaluated: 2024-05-21. Review status: criteria provided, single submitter. Criteria: Invitae Variant Classification Sherloc (09022015). Collection method: clinical testing. Allele origin: germline.